The following is an entry in ClinVar:

ClinVar aggregate classification (germline): Uncertain significance (1 of 4 stars; one submission).

Conditions:
Primary ciliary dyskinesia. Also called: Ciliary dyskinesia. Identifiers: Orphanet 244, MedGen C0008780, MONDO:0016575, HP:0012265.

Submission:

Labcorp Genetics (formerly Invitae), Labcorp
Classification: Uncertain significance for Primary ciliary dyskinesia. Last evaluated: 2017-06-12. Review status: criteria provided, single submitter. Criteria: Invitae Variant Classification Sherloc (09022015). Collection method: clinical testing. Allele origin: germline.
Comment: Experimental studies and prediction algorithms are not available for this variant, and the functional significance of the disrupted amino acids is currently unknown. In summary, this variant has uncertain impact on ZMYND10 function. The available evidence is currently insufficient to determine its role in disease. Therefore, it has been classified as a Variant of Uncertain Significance. This variant has not been reported in the literature in individuals with a ZMYND10-related disease. This variant is not present in population databases (ExAC no frequency). This sequence change results in a premature translational stop signal in the ZMYND10 gene (p.Cys418*). While this is not anticipated to result in nonsense mediated decay, it is expected to disrupt the last 22 amino acids of the ZMYND10 protein.

NM_015896.4(ZMYND10):c.1252_1253insA (p.Cys418Ter)

Gene: ZMYND10 (zinc finger MYND-type containing 10; minus strand). Cytogenetic location: 3p21.31.
Variant type: Insertion.
Coding change: c.1252_1253insA on transcript NM_015896.4 (MANE Select); coding-DNA positions 1252 to 1253, A inserted.
Protein change: p.Cys418Ter; replaces cysteine 418 with a stop codon.
Molecular consequence: nonsense.
Genome position: GRCh38 VCF-style: chr3-50341480-C-CT. GRCh37 (hg19) VCF-style: chr3-50378911-C-CT.
Other names: c.1237_1238insA, p.Cys413Ter (NM_001308379.2); short protein forms C418*, C413*.
Identifiers: ClinVar variation 454840 (VCV000454840.5), dbSNP rs1553720370, ClinGen allele CA658657304.